The following is an entry in ClinVar:

NM_003640.5(ELP1):c.1099C>T (p.His367Tyr)

Gene: ELP1 (elongator acetyltransferase complex subunit 1; minus strand). Cytogenetic location: 9q31.3.
Variant type: single nucleotide variant.
Coding change: c.1099C>T on transcript NM_003640.5 (MANE Select); coding-DNA position 1099, C replaced by T.
Protein change: p.His367Tyr; replaces histidine 367 with tyrosine.
Molecular consequence: missense variant.
Genome position (GRCh38, 1-based): chr9:108,912,354, G>A on the plus strand (C>T on the coding strand, the complement: ELP1 is on the minus strand). VCF-style: chr9-108912354-G-A. GRCh37 (hg19) VCF-style: chr9-111674634-G-A.
Other names: c.757C>T, p.His253Tyr (NM_001318360.2); c.52C>T, p.His18Tyr (NM_001330749.2); short protein forms H253Y, H18Y, H367Y.
Identifiers: ClinVar variation 2162071 (VCV002162071.5), dbSNP rs748461473, ClinGen allele CA5175125.
Genomic context (GRCh38, chr9:108,912,354, plus strand): 5'-CACTTGAATTATCTCCCACGCTCCGGTCAGTCGTCCAGTGCCAATCATAGGCGAGGTAAT[G>A]CCAGCCCTGACAGAGAACATGCAGCCGGTATGGGGTCACAGGGTCCCACATCAGAGACAC-3'
Protein context (NP_003631.2, residues 357-377): YRLHVLCQGW[His367Tyr]YLAYDWHWTT

ClinVar aggregate classification (germline): Uncertain significance. Review status: criteria provided, multiple submitters, no conflicts (2 of 4 stars). 2 submissions from 2 submitters: Uncertain significance (2). Last evaluated 2024-05-06.

Conditions:
Medulloblastoma (MDB). Also called: Medulloblastoma, somatic; MEDULLOBLASTOMA PREDISPOSITION SYNDROME. Identifiers: Orphanet 616, MedGen C0025149, MeSH D008527, MONDO:0007959, OMIM 155255, HP:0002885.
Familial dysautonomia. Also called: FD; HSAN III. Identifiers: Orphanet 1764, MedGen C0013364, MONDO:0009131, OMIM 223900. Disease mechanism: loss of function.

Allele frequency attached by ClinVar (database versions not stated): TOPMed 0.00001.
gnomAD v4.1: 7 of 1,614,186 alleles (0.00043%); highest among the groups gnomAD compares: Admixed American, 0.0017%; no homozygotes.

Submissions (2):

Fulgent Genetics
Classification: Uncertain significance for Medulloblastoma; Familial dysautonomia. Last evaluated: 2024-05-06. Review status: criteria provided, single submitter. Criteria: ACMG Guidelines, 2015. Collection method: clinical testing. Allele origin: germline.

Labcorp Genetics (formerly Invitae), Labcorp
Classification: Uncertain significance. Last evaluated: 2023-08-01. Review status: criteria provided, single submitter. Criteria: Invitae Variant Classification Sherloc (09022015). Collection method: clinical testing. Allele origin: germline.
Comment: This sequence change replaces histidine, which is basic and polar, with tyrosine, which is neutral and polar, at codon 367 of the ELP1 protein (p.His367Tyr). This variant is present in population databases (rs748461473, gnomAD 0.003%). This variant has not been reported in the literature in individuals affected with ELP1-related conditions. ClinVar contains an entry for this variant (Variation ID: 2162071). Advanced modeling of protein sequence and biophysical properties (such as structural, functional, and spatial information, amino acid conservation, physicochemical variation, residue mobility, and thermodynamic stability) performed at Invitae indicates that this missense variant is not expected to disrupt ELP1 protein function. In summary, the available evidence is currently insufficient to determine the role of this variant in disease. Therefore, it has been classified as a Variant of Uncertain Significance.